The following is an entry in ClinVar:

ClinVar aggregate classification (germline): Uncertain significance (1 of 4 stars; one submission).

Conditions:
Hereditary cancer-predisposing syndrome. Also called: Neoplastic Syndromes, Hereditary; Tumor predisposition; Hereditary Cancer Syndrome; Hereditary neoplastic syndrome. Identifiers: Orphanet 140162, MedGen C0027672, MeSH D009386, MONDO:0015356.

Submission:

Ambry Genetics
Classification: Uncertain significance for Hereditary cancer-predisposing syndrome. Last evaluated: 2026-03-27. Review status: criteria provided, single submitter. Criteria: Ambry Variant Classification Scheme 2023. Collection method: clinical testing. Allele origin: germline.
Comment: The p.A1446P variant (also known as c.4336G>C), located in coding exon 15 of the APC gene, results from a G to C substitution at nucleotide position 4336. The alanine at codon 1446 is replaced by proline, an amino acid with highly similar properties. This amino acid position is not well conserved in available vertebrate species. In addition, in silico predictors for this gene do not accurately predict pathogenicity. Missense variants in APC are not a common cause of disease (Spier I et al. Genet Med. 2024 Feb;26(2):100992). Based on the available evidence, the clinical significance of this variant remains unclear.

NM_000038.6(APC):c.4336G>C (p.Ala1446Pro)

Gene: APC (APC regulator of Wnt signaling pathway; plus strand). Cytogenetic location: 5q22.2.
Variant type: single nucleotide variant.
Coding change: c.4336G>C on transcript NM_000038.6 (MANE Select); coding-DNA position 4336, G replaced by C.
Protein change: p.Ala1446Pro; replaces alanine 1446 with proline.
Molecular consequence: missense variant. On other transcripts: non-coding transcript variant (2).
Genome position (GRCh38, 1-based): chr5:112,839,930, G>C. VCF-style: chr5-112839930-G-C. GRCh37 (hg19) VCF-style: chr5-112175627-G-C.
Other names: c.4336G>C, p.Ala1446Pro (NM_001127510.3, NM_001354895.2, NM_001407450.1); c.4282G>C, p.Ala1428Pro (NM_001127511.3); c.4390G>C, p.Ala1464Pro (NM_001354896.2, NM_001407447.1, NM_001407448.1 and 1 more transcripts); c.4366G>C, p.Ala1456Pro (NM_001354897.2); c.4261G>C, p.Ala1421Pro (NM_001354898.2); c.4252G>C, p.Ala1418Pro (NM_001354899.2); c.4213G>C, p.Ala1405Pro (NM_001354900.2); c.4159G>C, p.Ala1387Pro (NM_001354901.2, NM_001407453.1); and 11 more; short protein forms A1062P, A1163P, A1286P, A1317P, A1320P, A1345P, A1355P, A1363P.
Identifiers: ClinVar variation 4860854 (VCV004860854.1).